The following is an entry in ClinVar:

ClinVar aggregate classification (germline): Uncertain significance (1 of 4 stars; one submission).

Submission:

GeneDx
Classification: Uncertain significance. Last evaluated: 2025-06-25. Review status: criteria provided, single submitter. Criteria: GeneDx Variant Classification Process June 2021. Collection method: clinical testing. Allele origin: germline. Affected: yes.
Comment: Not observed at significant frequency in large population cohorts (gnomAD); In silico analysis suggests that this missense variant does not alter protein structure/function; Has not been previously published as pathogenic or benign to our knowledge

NM_002547.3(OPHN1):c.2137C>T (p.Pro713Ser)

Gene: OPHN1 (oligophrenin 1; minus strand). Cytogenetic location: Xq12.
Variant type: single nucleotide variant.
Coding change: c.2137C>T on transcript NM_002547.3 (MANE Select); coding-DNA position 2137, C replaced by T.
Protein change: p.Pro713Ser; replaces proline 713 with serine.
Molecular consequence: missense variant. On other transcripts: intron variant (1).
Genome position (GRCh38, 1-based): chrX:68,063,875, G>A on the plus strand (C>T on the coding strand, the complement: OPHN1 is on the minus strand). VCF-style: chrX-68063875-G-A. GRCh37 (hg19) VCF-style: chrX-67283717-G-A.
Other names: c.1834+9277C>T (NM_001437258.1); short protein forms P713S.
Identifiers: ClinVar variation 4540220 (VCV004540220.1).